The following is an entry in ClinVar:

NM_021620.4(PRDM13):c.1543C>G (p.Leu515Val)

Gene: PRDM13 (PR/SET domain 13; plus strand). Cytogenetic location: 6q16.2.
Variant type: single nucleotide variant.
Coding change: c.1543C>G on transcript NM_021620.4 (MANE Select); coding-DNA position 1543, C replaced by G.
Protein change: p.Leu515Val; replaces leucine 515 with valine.
Molecular consequence: missense variant.
Genome position (GRCh38, 1-based): chr6:99,614,178, C>G. VCF-style: chr6-99614178-C-G. GRCh37 (hg19) VCF-style: chr6-100062054-C-G.
Other names: short protein forms L515V.
Identifiers: ClinVar variation 1498175 (VCV001498175.6), dbSNP rs1169684700, ClinGen allele CA365119794.

ClinVar aggregate classification (germline): Uncertain significance (1 of 4 stars; one submission).

Allele frequency attached by ClinVar (database versions not stated): gnomAD exomes below 0.00001.
gnomAD v4.1: 1 of 1,602,792 alleles (0.000062%); highest among the groups gnomAD compares: South Asian, 0.0011%; no homozygotes.

Submission:

Labcorp Genetics (formerly Invitae), Labcorp
Classification: Uncertain significance. Last evaluated: 2022-07-12. Review status: criteria provided, single submitter. Criteria: Invitae Variant Classification Sherloc (09022015). Collection method: clinical testing. Allele origin: germline.
Comment: In summary, the available evidence is currently insufficient to determine the role of this variant in disease. Therefore, it has been classified as a Variant of Uncertain Significance. Algorithms developed to predict the effect of missense changes on protein structure and function are either unavailable or do not agree on the potential impact of this missense change (SIFT: "Deleterious"; PolyPhen-2: "Possibly Damaging"; Align-GVGD: "Class C0"). ClinVar contains an entry for this variant (Variation ID: 1498175). This variant has not been reported in the literature in individuals affected with PRDM13-related conditions. This variant is present in population databases (no rsID available, gnomAD 0.003%). This sequence change replaces leucine, which is neutral and non-polar, with valine, which is neutral and non-polar, at codon 515 of the PRDM13 protein (p.Leu515Val).